The following is an entry in ClinVar:

ClinVar aggregate classification (germline): Benign/Likely benign. Review status: criteria provided, multiple submitters, no conflicts (2 of 4 stars). 10 submissions from 10 submitters: Benign (2); Likely benign (7). 1 of the submissions does not count toward it. Last evaluated 2026-04-28.

Conditions:
BRIP1-related disorder. Also called: BRIP1-related condition; BRIP1-related disorders. Identifiers: MedGen CN239206.
Familial cancer of breast. Also called: Hereditary breast cancer; BREAST CANCER, FAMILIAL; hereditary breast carcinoma. Identifiers: Orphanet 227535, MedGen C0346153, MONDO:0016419, OMIM 114480. Disease mechanism: loss of function.
Fanconi anemia complementation group J. Also called: BRIP1-Related Fanconi Anemia. Identifiers: Orphanet 84, MedGen C1836860, MONDO:0012187, OMIM 609054.
Hereditary cancer-predisposing syndrome. Also called: Neoplastic Syndromes, Hereditary; Tumor predisposition; Hereditary neoplastic syndrome; Hereditary Cancer Syndrome. Identifiers: Orphanet 140162, MedGen C0027672, MeSH D009386, MONDO:0015356.
Malignant tumor of breast. Also called: Malignant breast neoplasm; Cancer breast. Identifiers: MedGen C0006142, MONDO:0007254. Disease mechanism: loss of function.

Allele frequency attached by ClinVar (database versions not stated): gnomAD exomes 0.00001 and 0.00007; TOPMed 0.00002; gnomAD 0.00003 and 0.00004; ExAC 0.00008; 1000 Genomes Project 30x 0.00016; 1000 Genomes Project 0.00020.
gnomAD v4.1: 16 of 1,613,978 alleles (0.00099%); highest among the groups gnomAD compares: East Asian, 0.033%; 1 homozygote.

Submissions (10):

PreventionGenetics, part of Exact Sciences
Classification: Likely benign for BRIP1-related condition. Last evaluated: 2026-04-28. Review status: criteria provided, single submitter. Criteria: ACMG Guidelines, 2015. Collection method: clinical testing. Allele origin: germline.
Comment: This variant is classified as likely benign based on ACMG/AMP sequence variant interpretation guidelines (Richards et al. 2015 PMID: 25741868, with internal and published modifications).

Labcorp Genetics (formerly Invitae), Labcorp
Classification: Likely benign for Familial cancer of breast; Fanconi anemia complementation group J. Last evaluated: 2026-01-19. Review status: criteria provided, single submitter. Criteria: Invitae Variant Classification Sherloc (09022015). Collection method: clinical testing. Allele origin: germline.

Center for Genomic Medicine, Rigshospitalet, Copenhagen University Hospital
Classification: Likely benign. Last evaluated: 2025-03-04. Review status: criteria provided, single submitter. Criteria: ACMG Guidelines, 2015. Collection method: clinical testing. Allele origin: germline.

Myriad Genetics, Inc.
Classification: Benign for Familial cancer of breast. Last evaluated: 2024-09-05. Review status: criteria provided, single submitter. Criteria: Myriad Autosomal Dominant, Autosomal Recessive and X-Linked Classification Criteria (2023). Collection method: clinical testing. Allele origin: unknown.
Comment: This variant is considered benign. This variant is a silent/synonymous amino acid change and it is not expected to impact splicing.

Women's Health and Genetics/Laboratory Corporation of America, LabCorp
Classification: Benign. Last evaluated: 2021-10-14. Review status: criteria provided, single submitter. Criteria: LabCorp Variant Classification Summary - May 2015. Collection method: clinical testing. Allele origin: germline.

GeneDx
Classification: Likely benign. Last evaluated: 2017-08-15. Review status: criteria provided, single submitter. Criteria: GeneDx Variant Classification (06012015). Collection method: clinical testing. Allele origin: germline. Affected: yes.
Comment: This variant is considered likely benign or benign based on one or more of the following criteria: it is a conservative change, it occurs at a poorly conserved position in the protein, it is predicted to be benign by multiple in silico algorithms, and/or has population frequency not consistent with disease.

Genetic Services Laboratory, University of Chicago
Classification: Likely benign. Last evaluated: 2016-11-23. Review status: criteria provided, single submitter. Criteria: ACMG Guidelines, 2015. Collection method: clinical testing. Allele origin: germline. Affected: no.

Color Diagnostics, LLC DBA Color Health
Classification: Likely benign for Hereditary cancer-predisposing syndrome. Last evaluated: 2016-09-23. Review status: criteria provided, single submitter. Criteria: ACMG Guidelines, 2015. Collection method: clinical testing. Allele origin: germline.

Ambry Genetics
Classification: Likely benign for Hereditary cancer-predisposing syndrome. Last evaluated: 2014-10-15. Review status: criteria provided, single submitter. Criteria: Ambry Variant Classification Scheme 2023. Collection method: clinical testing. Allele origin: germline.

Department of Pathology and Laboratory Medicine, Sinai Health System
Classification: Likely benign for Malignant tumor of breast. Review status: no assertion criteria provided. Collection method: clinical testing. Allele origin: unknown. Affected: yes. Study: The Canadian Open Genetics Repository (COGR). Not counted in ClinVar's aggregate classification.
Comment: The BRIP1 p.Tyr916= variant was not identified in the literature nor was it identified in the Cosmic, MutDB, or Zhejiang Colon Cancer Database. The variant was identified in dbSNP (ID: rs555200296) â€šÃ„ÃºWith Likely benign alleleâ€šÃ„Ã¹, ClinVar (classified likely benign by Ambry Genetics, GeneDx, Invitae, Genetic Services Laboratory (University of Chicago) and Color Genomics Inc), Clinvitae (3x), and in control databases in 17 of 277110 chromosomes at a frequency of 0.00006 (Genome Aggregation Database Feb 27, 2017). It was observed in the East Asian population in 17 of 18860 chromosomes (freq: 0.0009); but not in the African, Other, Latino, European Non-Finnish, Ashkenazi Jewish, Finnish, and South Asian populations. The p.Tyr916= variant is not expected to have clinical significance because it does not result in a change of amino acid and is not located in a known consensus splice site. In addition, in silico or computational prediction software programs (SpliceSiteFinder, MaxEntScan, NNSPLICE, GeneSplicer, HumanSpliceFinder) do not predict a difference in splicing. In summary, based on the above information the clinical significance of this variant cannot be determined with certainty at this time although we would lean towards a more benign role for this variant. This variant is classified as likely benign.

NM_032043.3(BRIP1):c.2748C>T (p.Tyr916=)

Gene: BRIP1 (BRCA1 interacting DNA helicase 1; minus strand). Cytogenetic location: 17q23.2.
Variant type: single nucleotide variant.
Coding change: c.2748C>T on transcript NM_032043.3 (MANE Select); coding-DNA position 2748, C replaced by T.
Protein change: p.Tyr916=; no amino-acid change (tyrosine 916 retained).
Molecular consequence: synonymous variant.
Genome position (GRCh38, 1-based): chr17:61,685,993, G>A on the plus strand (C>T on the coding strand, the complement: BRIP1 is on the minus strand). VCF-style: chr17-61685993-G-A. GRCh37 (hg19) VCF-style: chr17-59763354-G-A.
Identifiers: ClinVar variation 186767 (VCV000186767.29), dbSNP rs555200296, ClinGen allele CA195812.